The following is an entry in ClinVar:

NM_000238.4(KCNH2):c.1881C>A (p.Phe627Leu)

Gene: KCNH2 (potassium voltage-gated channel subfamily H member 2; minus strand). Cytogenetic location: 7q36.1.
Variant type: single nucleotide variant.
Coding change: c.1881C>A on transcript NM_000238.4 (MANE Select); coding-DNA position 1881, C replaced by A.
Protein change: p.Phe627Leu; replaces phenylalanine 627 with leucine.
Molecular consequence: missense variant.
Genome position (GRCh38, 1-based): chr7:150,951,512, G>T on the plus strand (C>A on the coding strand, the complement: KCNH2 is on the minus strand). VCF-style: chr7-150951512-G-T. GRCh37 (hg19) VCF-style: chr7-150648600-G-T.
Other names: p.F627L:TTC>TTA; c.861C>A, p.Phe287Leu (NM_001204798.2, NM_172057.3); c.1593C>A, p.Phe531Leu (NM_001406753.1, NM_001406756.1); c.1704C>A, p.Phe568Leu (NM_001406755.1); c.1581C>A, p.Phe527Leu (NM_001406757.1); c.1881C>A, p.Phe627Leu (NM_172056.3); short protein forms F287L, F627L, F527L, F531L, F568L.
Identifiers: ClinVar variation 200747 (VCV000200747.11), dbSNP rs199473039, ClinGen allele CA005788.
Genomic context (GRCh38, chr7:150,951,512, plus strand): 5'-AATGAGCATGACGCAGATGGAGAAGATCTTCTCTGAGTTGGTGTTGGGAGAGACGTTGCC[G>T]AAGCCCACACTGGTGAGGCTGCTGAAGGTGAAGTAGAGCGCCGTCACATACTTGTCCTTG-3'
Protein context (NP_000229.1, residues 617-637): FTFSSLTSVG[Phe627Leu]GNVSPNTNSE

ClinVar aggregate classification (germline): Pathogenic. Review status: criteria provided, multiple submitters, no conflicts (2 of 4 stars). 2 submissions from 2 submitters: Pathogenic (2). Last evaluated 2020-04-22.

Conditions:
Long QT syndrome (LQTS). Identifiers: MedGen C0023976, MeSH D008133, MONDO:0002442. Disease mechanism: loss of function. Inheritance: Various modes of inheritance.

Submissions (2):

Labcorp Genetics (formerly Invitae), Labcorp
Classification: Pathogenic for Long QT syndrome. Last evaluated: 2020-04-22. Review status: criteria provided, single submitter. Criteria: Invitae Variant Classification Sherloc (09022015). Collection method: clinical testing. Allele origin: germline.
Comment: Algorithms developed to predict the effect of sequence changes on RNA splicing suggest that this variant may create or strengthen a splice site, but this prediction has not been confirmed by published transcriptional studies. This missense change has been reported to affect KCNH2 protein function (PMID: 25417810, 18848812). This missense change has been observed in individual(s) with clinical features of long QT syndrome (PMID: 24322056, 24217263, 18848812, 11854117). In at least one individual the variant was observed to be de novo. ClinVar contains an entry for this variant (Variation ID: 200747). This variant is not present in population databases (ExAC no frequency). This sequence change replaces phenylalanine with leucine at codon 627 of the KCNH2 protein (p.Phe627Leu). The phenylalanine residue is highly conserved and there is a small physicochemical difference between phenylalanine and leucine. For these reasons, this variant has been classified as Pathogenic.

GeneDx
Classification: Pathogenic. Last evaluated: 2011-09-16. Review status: criteria provided, single submitter. Criteria: GeneDx Variant Classification (06012015). Collection method: clinical testing. Allele origin: germline. Affected: yes.
Comment: The Phe627Leu mutation in the KCNH2 gene has been published previously in association with LQTS (1-3). Phe627Leu, located in the pore region of the protein, has been reported in individuals with LQTS who harbored a different nucleotide substitution which resulted in the same Phe627Leu protein change as this patient (c.1879 T>C and c.1881 C>G, respectively). Another mutation affecting the same residue (Phe627Ile) as well as neighboring residues (Val625Glu, Gly626Ala, Gly626Asp, Gly626Ser, Gly626Val, Gly628Ala, Gly628Ser, Gly628Val) have also been reported in association with LQTS, further supporting the functional importance of this residue and this region of the protein. Phe627Leu was not detected in over 400 control chromosomes reported in the literature, nor in up to 400 control chromosomes of African American and Caucasian ancestry tested at GeneDx, indicating it is not a common benign polymorphism in these populations. Therefore, the presence of the Phe627Leu mutation in the KCNH2 gene is consistent with a diagnosis of an autosomal dominant form of LQTS. The variant is found in LQT panel(s).

Literature cited by the submitters: PubMed 25417810 (cited by Labcorp Genetics (formerly Invitae), Labcorp); PubMed 18848812 (cited by Labcorp Genetics (formerly Invitae), Labcorp); PubMed 24322056 (cited by Labcorp Genetics (formerly Invitae), Labcorp); PubMed 24217263 (cited by Labcorp Genetics (formerly Invitae), Labcorp); PubMed 11854117 (cited by Labcorp Genetics (formerly Invitae), Labcorp).